The following is an entry in ClinVar:

NM_000093.5(COL5A1):c.175A>G (p.Thr59Ala)

Gene: COL5A1 (collagen type V alpha 1 chain; plus strand). Cytogenetic location: 9q34.3.
Variant type: single nucleotide variant.
Coding change: c.175A>G on transcript NM_000093.5 (MANE Select); coding-DNA position 175, A replaced by G.
Protein change: p.Thr59Ala; replaces threonine 59 with alanine.
Molecular consequence: missense variant.
Genome position (GRCh38, 1-based): chr9:134,690,977, A>G. VCF-style: chr9-134690977-A-G. GRCh37 (hg19) VCF-style: chr9-137582823-A-G.
Other names: p.Thr59Ala; c.175A>G, p.Thr59Ala (NM_001278074.1); short protein forms T59A.
Identifiers: ClinVar variation 1437421 (VCV001437421.11), dbSNP rs751649145, ClinGen allele CA5318223.
Genomic context (GRCh38, chr9:134,690,977, plus strand): 5'-CCAGCAGATCTCCTGAAGGTTCTAGATTTTCACAACTTGCCTGATGGAATAACAAAGACA[A>G]CAGGCTTTTGCGCCACGCGGCGATCTTCCAAAGGCCCGGATGTCGCTTACAGAGTCACCA-3'
Protein context (NP_000084.3, residues 49-69): HNLPDGITKT[Thr59Ala]GFCATRRSSK

ClinVar aggregate classification (germline): Conflicting classifications of pathogenicity. Review status: criteria provided, conflicting classifications (1 of 4 stars). 3 submissions from 3 submitters: Uncertain significance (2); Likely benign (1). Last evaluated 2025-08-02.

Conditions:
Ehlers-Danlos syndrome, classic type, 1 (EDSCL1). Also called: EHLERS-DANLOS SYNDROME, GRAVIS TYPE; EHLERS-DANLOS SYNDROME, SEVERE CLASSIC TYPE; Ehlers-Danlos syndrome, type 1; Ehlers-Danlos Syndrome, Classic Type, COL5A1-Related; EDS I. Identifiers: MedGen C0268335, MONDO:0019567, OMIM 130000.

Allele frequency attached by ClinVar (database versions not stated): gnomAD exomes 0.00001 and below 0.00001; ExAC 0.00001.
gnomAD v4.1: 16 of 1,613,882 alleles (0.00099%); highest among the groups gnomAD compares: Non-Finnish European, 0.0014%; no homozygotes.

Submissions (3):

Mayo Clinic Laboratories, Mayo Clinic
Classification: Uncertain significance. Last evaluated: 2025-08-02. Review status: criteria provided, single submitter. Criteria: ACMG Guidelines, 2015. Collection method: clinical testing. Allele origin: germline. Observed: 1 variant allele.
Comment: BP4_moderate, PM2_supporting

Labcorp Genetics (formerly Invitae), Labcorp
Classification: Likely benign for Ehlers-Danlos syndrome, classic type, 1. Last evaluated: 2024-06-19. Review status: criteria provided, single submitter. Criteria: Invitae Variant Classification Sherloc (09022015). Collection method: clinical testing. Allele origin: germline.

Genetics and Molecular Pathology, SA Pathology
Classification: Uncertain significance for Ehlers-Danlos syndrome, classic type, 1. Last evaluated: 2021-05-13. Review status: criteria provided, single submitter. Criteria: ACMG Guidelines, 2015. Collection method: clinical testing. Allele origin: germline. Affected: yes.